The following is an entry in ClinVar:

ClinVar aggregate classification (germline): Benign/Likely benign. Review status: criteria provided, multiple submitters, no conflicts (2 of 4 stars). 3 submissions from 3 submitters: Benign (1); Likely benign (2). Last evaluated 2024-10-11.

Allele frequency attached by ClinVar (database versions not stated): gnomAD exomes 0.00003 and 0.00022; gnomAD 0.00006 and 0.00007; TOPMed 0.00012; ExAC 0.00026.
gnomAD v4.1: 61 of 1,613,498 alleles (0.0038%); highest among the groups gnomAD compares: East Asian, 0.13%; no homozygotes.

Submissions (3):

Labcorp Genetics (formerly Invitae), Labcorp
Classification: Likely benign. Last evaluated: 2024-10-11. Review status: criteria provided, single submitter. Criteria: Invitae Variant Classification Sherloc (09022015). Collection method: clinical testing. Allele origin: germline.

Laboratory for Molecular Medicine, Mass General Brigham Personalized Medicine
Classification: Benign. Last evaluated: 2022-11-21. Review status: criteria provided, single submitter. Criteria: ACMG Guidelines, 2015. Collection method: clinical testing. Allele origin: germline.
Comment: The p.Ser74Asn variant in CD164 is classified as benign because it has been identified in 0.3% (62/19936) of East Asian chromosomes by gnomAD. ACMG/AMP Criteria applied: BA1.

GeneDx
Classification: Likely benign. Last evaluated: 2018-12-11. Review status: criteria provided, single submitter. Criteria: GeneDx Variant Classification Process June 2021. Collection method: clinical testing. Allele origin: germline. Affected: yes.

NM_006016.6(CD164):c.221G>A (p.Ser74Asn)

Gene: CD164 (CD164 molecule; minus strand). Cytogenetic location: 6q21.
Variant type: single nucleotide variant.
Coding change: c.221G>A on transcript NM_006016.6 (MANE Select); coding-DNA position 221, G replaced by A.
Protein change: p.Ser74Asn; replaces serine 74 with asparagine.
Molecular consequence: missense variant.
Genome position (GRCh38, 1-based): chr6:109,379,617, C>T on the plus strand (G>A on the coding strand, the complement: CD164 is on the minus strand). VCF-style: chr6-109379617-C-T. GRCh37 (hg19) VCF-style: chr6-109700820-C-T.
Other names: c.221G>A, p.Ser74Asn (NM_001142402.3, NM_001142403.3, NM_001142404.3 and 1 more transcripts); c.119G>A, p.Ser40Asn (NM_001346500.2); short protein forms S40N, S74N.
Identifiers: ClinVar variation 1317475 (VCV001317475.5), dbSNP rs762977439, ClinGen allele CA3951650.